The following is an entry in ClinVar:

ClinVar aggregate classification (germline): Likely pathogenic (1 of 4 stars; one submission).

Conditions:
X-linked Alport syndrome (ATS1). Also called: NEPHROPATHY AND DEAFNESS, X-LINKED; COL4A5-Related Nephropathy. Identifiers: Orphanet 63, Orphanet 88917, MedGen C4746986, MONDO:0010520, OMIM 301050.

Submission:

3billion
Classification: Likely pathogenic for X-linked Alport syndrome. Review status: criteria provided, single submitter. Criteria: ACMG Guidelines, 2015. Collection method: clinical testing. Allele origin: unknown. Affected: yes. Observed: 1 hemizygote.
Comment: The variant is not observed in the gnomAD v2.1.1 dataset. The variant is predicted to result in a loss or disruption of normal protein function through nonsense-mediated decay (NMD) or protein truncation. Multiple pathogenic variants are reported downstream of the variant. Therefore, this variant is classified as Likely pathogenic according to the recommendation of ACMG/AMP guideline.

NM_033380.3(COL4A5):c.770_776del (p.Lys257fs)

Gene: COL4A5 (collagen type IV alpha 5 chain; plus strand). Cytogenetic location: Xq22.3.
Variant type: Deletion.
Coding change: c.770_776del on transcript NM_033380.3 (MANE Select); coding-DNA positions 770 to 776, 7 bases deleted (AAGGAGA; older notation c.770_776delAAGGAGA).
Protein change: p.Lys257fs; shifts the reading frame from lysine 257.
Molecular consequence: frameshift variant.
Genome position (GRCh38, 1-based): chrX:108,578,373-108,578,379, AAGGAGA deleted; deleting any 7 consecutive bases within chrX:108,578,370-108,578,379 gives the same sequence; the c. name uses the placement nearest the transcript's 3' end. VCF-style (leftmost placement, unchanged base first): chrX-108578369-CAGAAAGG-C. GRCh37 (hg19) VCF-style: chrX-107821599-CAGAAAGG-C.
Other names: c.770_776del, p.Lys257fs (NM_000495.5); short protein forms K257fs.
Identifiers: ClinVar variation 2572457 (VCV002572457.1), dbSNP rs2524236373, ClinGen allele CA2580612288.